The following is an entry in ClinVar:

ClinVar aggregate classification (germline): Uncertain significance (1 of 4 stars; one submission).

Submission:

Labcorp Genetics (formerly Invitae), Labcorp
Classification: Uncertain significance. Last evaluated: 2023-12-06. Review status: criteria provided, single submitter. Criteria: Invitae Variant Classification Sherloc (09022015). Collection method: clinical testing. Allele origin: germline.
Comment: This sequence change replaces alanine, which is neutral and non-polar, with glutamic acid, which is acidic and polar, at codon 127 of the DNASE1L3 protein (p.Ala127Glu). This variant is not present in population databases (gnomAD no frequency). This variant has not been reported in the literature in individuals affected with DNASE1L3-related conditions. ClinVar contains an entry for this variant (Variation ID: 1912481). Algorithms developed to predict the effect of missense changes on protein structure and function output the following: SIFT: "Not Available"; PolyPhen-2: "Benign"; Align-GVGD: "Not Available". The glutamic acid amino acid residue is found in multiple mammalian species, which suggests that this missense change does not adversely affect protein function. In summary, the available evidence is currently insufficient to determine the role of this variant in disease. Therefore, it has been classified as a Variant of Uncertain Significance.

NM_004944.4(DNASE1L3):c.380C>A (p.Ala127Glu)

Gene: DNASE1L3 (deoxyribonuclease 1L3; minus strand). Cytogenetic location: 3p14.3.
Variant type: single nucleotide variant.
Coding change: c.380C>A on transcript NM_004944.4 (MANE Select); coding-DNA position 380, C replaced by A.
Protein change: p.Ala127Glu; replaces alanine 127 with glutamic acid.
Molecular consequence: missense variant.
Genome position (GRCh38, 1-based): chr3:58,204,822, G>T on the plus strand (C>A on the coding strand, the complement: DNASE1L3 is on the minus strand). VCF-style: chr3-58204822-G-T. GRCh37 (hg19) VCF-style: chr3-58190549-G-T.
Other names: c.290C>A, p.Ala97Glu (NM_001256560.2); short protein forms A97E, A127E.
Identifiers: ClinVar variation 1912481 (VCV001912481.5), dbSNP rs2471313601, ClinGen allele CA353340076.
Genomic context (GRCh38, chr3:58,204,822, plus strand): 5'-GTCTTACCAGTGTGGGGAGATTGGAACCAGACCACAAAGGGCTCCCTGGAAAACACATCT[G>T]CGTCTCCATCCTGATAGTCATGGTAGTGATAACTCCTCTTCACAGACACCAGCTTTTCCC-3'
Protein context (NP_004935.1, residues 117-137): YHYHDYQDGD[Ala127Glu]DVFSREPFVV